The following is an entry in ClinVar:

NM_000116.5(TAFAZZIN):c.536del (p.Pro179fs)

Gene: TAFAZZIN (tafazzin, phospholipid-lysophospholipid transacylase; plus strand). Cytogenetic location: Xq28.
Variant type: Deletion.
Coding change: c.536del on transcript NM_000116.5 (MANE Select); coding-DNA position 536, one base deleted (C; older notation c.536delC).
Protein change: p.Pro179fs; shifts the reading frame from proline 179.
Molecular consequence: frameshift variant. On other transcripts: non-coding transcript variant (1).
Genome position (GRCh38, 1-based): chrX:154,419,618, C deleted; the last of 3 consecutive C bases (chrX:154,419,616-154,419,618); deleting any one gives the same sequence. VCF-style (leftmost placement, unchanged base first): chrX-154419615-TC-T. GRCh37 (hg19) VCF-style: chrX-153647954-TC-T.
Other names: c.590del, p.Pro197fs (NM_001303465.2); c.500delC, p.Pro167Glnfs (NM_001410698.1); c.446del, p.Pro149fs (NM_181311.4, NM_181313.4); c.536del, p.Pro179fs (NM_181312.4); short protein forms P179fs, P197fs, P149fs.
Identifiers: ClinVar variation 2138791 (VCV002138791.4), dbSNP rs2522985522, ClinGen allele CA2580101819.
Genomic context (GRCh38, chrX:154,419,615, plus strand): 5'-ACCAGAAGGGGATGGACTTCATTTTGGAGAAGCTCAACCATGGGGACTGGGTGCATATCT[TC>T]CCAGAAGGTCAGCAGGGCTGACTGGGTCGAGCCCCCCCAGTATGAGCGGGATGGGCTCCC-3'

ClinVar aggregate classification (germline): Pathogenic (1 of 4 stars; one submission).

Conditions:
3-Methylglutaconic aciduria type 2 (BTHS). Also called: Barth syndrome; CARDIOSKELETAL MYOPATHY WITH NEUTROPENIA AND ABNORMAL MITOCHONDRIA. Identifiers: Orphanet 111, MedGen C0574083, MONDO:0010543, OMIM 302060.

Submission:

Labcorp Genetics (formerly Invitae), Labcorp
Classification: Pathogenic for 3-Methylglutaconic aciduria type 2. Last evaluated: 2025-01-27. Review status: criteria provided, single submitter. Criteria: Invitae Variant Classification Sherloc (09022015). Collection method: clinical testing. Allele origin: germline.
Comment: This sequence change creates a premature translational stop signal (p.Pro179Glnfs*5) in the TAZ gene. It is expected to result in an absent or disrupted protein product. Loss-of-function variants in TAZ are known to be pathogenic (PMID: 16427346, 22382802, 23409742). This variant is not present in population databases (gnomAD no frequency). This premature translational stop signal has been observed in individual(s) with Barth syndrome (PMID: 12529714). This variant is also known as 535delC. ClinVar contains an entry for this variant (Variation ID: 2138791). Studies have shown that this premature translational stop signal is associated with altered splicing resulting in multiple RNA products (PMID: 12529714). For these reasons, this variant has been classified as Pathogenic.

Literature cited by the submitters: PubMed 16427346; PubMed 22382802; PubMed 23409742; PubMed 12529714.